The following is an entry in ClinVar:

NM_000551.4(VHL):c.124G>C (p.Glu42Gln)

Gene: VHL (von Hippel-Lindau tumor suppressor; plus strand). Cytogenetic location: 3p25.3.
Variant type: single nucleotide variant.
Coding change: c.124G>C on transcript NM_000551.4 (MANE Select); coding-DNA position 124, G replaced by C.
Protein change: p.Glu42Gln; replaces glutamic acid 42 with glutamine.
Molecular consequence: missense variant.
Genome position (GRCh38, 1-based): chr3:10,141,971, G>C. VCF-style: chr3-10141971-G-C. GRCh37 (hg19) VCF-style: chr3-10183655-G-C.
Other names: c.124G>C, p.Glu42Gln (NM_001354723.2, NM_198156.3); short protein forms E42Q.
Identifiers: ClinVar variation 1040271 (VCV001040271.9), dbSNP rs1696122809, ClinGen allele CA351747976.

ClinVar aggregate classification (germline): Uncertain significance (1 of 4 stars; one submission).

Conditions:
Von Hippel-Lindau syndrome (VHLS). Also called: Von Hippel-Lindau; von Hippel–Lindau syndrome; VHL syndrome. Identifiers: Orphanet 892, MedGen C0019562, MONDO:0008667, OMIM 193300. Disease mechanism: loss of function.
Chuvash polycythemia. Also called: POLYCYTHEMIA, VHL-DEPENDENT. Identifiers: Orphanet 238557, MedGen C1837915, MONDO:0009892, OMIM 263400.

gnomAD v4.1: 1 of 1,558,258 alleles (0.000064%); highest among the groups gnomAD compares: Non-Finnish European, 0.000087%; no homozygotes.

Submission:

Labcorp Genetics (formerly Invitae), Labcorp
Classification: Uncertain significance for Von Hippel-Lindau syndrome; Chuvash polycythemia. Last evaluated: 2024-03-25. Review status: criteria provided, single submitter. Criteria: Invitae Variant Classification Sherloc (09022015). Collection method: clinical testing. Allele origin: germline.
Comment: This sequence change replaces glutamic acid, which is acidic and polar, with glutamine, which is neutral and polar, at codon 42 of the VHL protein (p.Glu42Gln). This variant is not present in population databases (gnomAD no frequency). This variant has not been reported in the literature in individuals affected with VHL-related conditions. ClinVar contains an entry for this variant (Variation ID: 1040271). Advanced modeling of protein sequence and biophysical properties (such as structural, functional, and spatial information, amino acid conservation, physicochemical variation, residue mobility, and thermodynamic stability) has been performed at Invitae for this missense variant, however the output from this modeling did not meet the statistical confidence thresholds required to predict the impact of this variant on VHL protein function. In summary, the available evidence is currently insufficient to determine the role of this variant in disease. Therefore, it has been classified as a Variant of Uncertain Significance.